The following is an entry in ClinVar:

ClinVar aggregate classification (germline): Benign/Likely benign. Review status: criteria provided, multiple submitters, no conflicts (2 of 4 stars). 3 submissions from 3 submitters: Benign (1); Likely benign (2). Last evaluated 2021-02-22.

Conditions:
Hydatidiform mole. Also called: Hydatidiform mole, recurrent; Hydatidiform Moles; hydatid mole. Identifiers: Orphanet 99927, MedGen C0020217, MONDO:0006248, HP:0032192.
Hydatidiform mole, recurrent, 1 (HYDM1). Identifiers: Orphanet 254688, Orphanet 99927, MedGen C3463897, MONDO:0009273, OMIM 231090. Disease mechanism: loss of function.

Allele frequency attached by ClinVar (database versions not stated): gnomAD exomes 0.00284 and 0.00691; ExAC 0.00850; gnomAD 0.02433 and 0.02585; 1000 Genomes Project 0.02556; TOPMed 0.02659; 1000 Genomes Project 30x 0.02811; ESP Exome Variant Server 0.02860.
gnomAD v4.1: 8,008 of 1,612,214 alleles (0.5%); highest among the groups gnomAD compares: African/African-American, 8.3%; 296 homozygotes.

Submissions (3):

National Health Laboratory Service, Universitas Academic Hospital and University of the Free State
Classification: Benign for Hydatidiform mole. Last evaluated: 2021-02-22. Review status: criteria provided, single submitter. Criteria: ACMG Guidelines, 2015. Collection method: research. Allele origin: germline. Affected: yes. Observed: 1 variant allele.

Illumina Laboratory Services, Illumina
Classification: Likely benign for Hydatidiform mole, recurrent, 1. Last evaluated: 2018-01-13. Review status: criteria provided, single submitter. Criteria: ICSL Variant Classification Criteria 13 December 2019. Collection method: clinical testing. Allele origin: germline.
Comment: This variant was observed in the ICSL laboratory as part of a predisposition screen in an ostensibly healthy population. It had not been previously curated by ICSL or reported in the Human Gene Mutation Database (HGMD: prior to June 1st, 2018), and was therefore a candidate for classification through an automated scoring system. Utilizing variant allele frequency, disease prevalence and penetrance estimates, and inheritance mode, an automated score was calculated to assess if this variant is too frequent to cause the disease. Based on the score and internal cut-off values, a variant classified as likely benign is not then subjected to further curation. The score for this variant resulted in a classification of likely benign for this disease.

Breakthrough Genomics
Classification: Likely benign. Review status: criteria provided, single submitter. Criteria: ACMG Guidelines, 2015. Collection method: not provided. Allele origin: germline. Inheritance: Autosomal recessive inheritance. Affected: yes.

NM_001127255.2(NLRP7):c.2706C>T (p.Ala902=)

Genes: NCR1 (natural cytotoxicity triggering receptor 1), NLRP7 (NLR family pyrin domain containing 7; minus strand). Cytogenetic location: 19q13.42.
Variant type: single nucleotide variant.
Coding change: c.2706C>T on transcript NM_001127255.2 (MANE Select); coding-DNA position 2706, C replaced by T.
Protein change: p.Ala902=; no amino-acid change (alanine 902 retained).
Molecular consequence: synonymous variant.
Genome position (GRCh38, 1-based): chr19:54,930,603, G>A on the plus strand (C>T on the coding strand, the complement: NLRP7 is on the minus strand). VCF-style: chr19-54930603-G-A. GRCh37 (hg19) VCF-style: chr19-55441971-G-A.
Other names: c.2706C>T, p.Ala902= (NM_001405531.1, NM_206828.4); c.2622C>T, p.Ala874= (NM_139176.4).
Identifiers: ClinVar variation 893861 (VCV000893861.10), dbSNP rs61746780, ClinGen allele CA310008200.
Genomic context (GRCh38, chr19:54,930,603, plus strand): 5'-GAGAATCCACAATCCACGAGCTATCTGGTTGATACTCAAGTCCAGGTTTGTGAGGCTGCA[G>A]GCTTCTTGGAGCGCCTCTGAGAGATATCTACAGCCAAGCTTGGTTATGCTGCATTGCTGT-3'
Protein context (NP_001120727.1, residues 892-912): CRYLSEALQE[Ala902=]CSLTNLDLSI